The following is an entry in ClinVar:

ClinVar aggregate classification (germline): Uncertain significance. Review status: criteria provided, multiple submitters, no conflicts (2 of 4 stars). 2 submissions from 2 submitters: Uncertain significance (2). Last evaluated 2026-06-01.

Submissions (2):

CeGaT Center for Human Genetics Tuebingen
Classification: Uncertain significance. Last evaluated: 2026-06-01. Review status: criteria provided, single submitter. Criteria: CeGaT Center For Human Genetics Tuebingen Variant Classification Criteria Version 2. Collection method: clinical testing. Allele origin: germline. Affected: yes. Observed: 1 variant allele.

Labcorp Genetics (formerly Invitae), Labcorp
Classification: Uncertain significance. Last evaluated: 2025-09-22. Review status: criteria provided, single submitter. Criteria: Invitae Variant Classification Sherloc (09022015). Collection method: clinical testing. Allele origin: germline.
Comment: This sequence change replaces proline, which is neutral and non-polar, with serine, which is neutral and polar, at codon 103 of the HOXD13 protein (p.Pro103Ser). This variant is present in population databases (rs758766383, gnomAD 0.006%). This variant has not been reported in the literature in individuals affected with HOXD13-related conditions. Invitae Evidence Modeling of protein sequence and biophysical properties (such as structural, functional, and spatial information, amino acid conservation, physicochemical variation, residue mobility, and thermodynamic stability) indicates that this missense variant is not expected to disrupt HOXD13 protein function with a negative predictive value of 80%. In summary, the available evidence is currently insufficient to determine the role of this variant in disease. Therefore, it has been classified as a Variant of Uncertain Significance.

NM_000523.4(HOXD13):c.307C>T (p.Pro103Ser)

Gene: HOXD13 (homeobox D13; plus strand). Cytogenetic location: 2q31.1.
Variant type: single nucleotide variant.
Coding change: c.307C>T on transcript NM_000523.4 (MANE Select); coding-DNA position 307, C replaced by T.
Protein change: p.Pro103Ser; replaces proline 103 with serine.
Molecular consequence: missense variant.
Genome position (GRCh38, 1-based): chr2:176,093,197, C>T. VCF-style: chr2-176093197-C-T. GRCh37 (hg19) VCF-style: chr2-176957925-C-T.
Other names: short protein forms P103S.
Identifiers: ClinVar variation 4748097 (VCV004748097.3).